The following is an entry in ClinVar:

NM_002474.3(MYH11):c.5807T>A (p.Phe1936Tyr)

Genes: MYH11 (myosin heavy chain 11; minus strand), NDE1 (nudE neurodevelopment protein 1; plus strand). Cytogenetic location: 16p13.11.
Variant type: single nucleotide variant.
Coding change: c.5807T>A on transcript NM_002474.3 (MANE Select); coding-DNA position 5807, T replaced by A.
Protein change: p.Phe1936Tyr; replaces phenylalanine 1936 with tyrosine.
Molecular consequence: missense variant. On other transcripts: 3 prime UTR variant (2), intron variant (2).
Genome position (GRCh38, 1-based): chr16:15,704,103, A>T on the plus strand (T>A on the coding strand, the complement: MYH11 is on the minus strand). VCF-style: chr16-15704103-A-T. GRCh37 (hg19) VCF-style: chr16-15797960-A-T.
Other names: c.*29T>A (NM_001040113.2, NM_022844.3); c.5828T>A, p.Phe1943Tyr (NM_001040114.2); c.947+7243A>T (NM_001143979.2, NM_017668.3); short protein forms F1943Y, F1936Y.
Identifiers: ClinVar variation 3915422 (VCV003915422.1).

ClinVar aggregate classification (germline): Uncertain significance (1 of 4 stars; one submission).

Conditions:
Familial thoracic aortic aneurysm and aortic dissection (TAAD). Also called: Thoracic aortic aneurysms and dissections. Identifiers: Orphanet 91387, MedGen C4707243, MONDO:0019625.

Submission:

Ambry Genetics
Classification: Uncertain significance for Familial thoracic aortic aneurysm and aortic dissection. Last evaluated: 2025-05-27. Review status: criteria provided, single submitter. Criteria: Ambry Variant Classification Scheme 2023. Collection method: clinical testing. Allele origin: germline.
Comment: The p.F1936Y variant (also known as c.5807T>A), located in coding exon 40 of the MYH11 gene, results from a T to A substitution at nucleotide position 5807. The phenylalanine at codon 1936 is replaced by tyrosine, an amino acid with highly similar properties. This amino acid position is conserved. In addition, the in silico prediction for this alteration is inconclusive. Based on the available evidence, the clinical significance of this variant remains unclear.